The following is an entry in ClinVar:

ClinVar aggregate classification (germline): Likely benign. Review status: criteria provided, multiple submitters, no conflicts (2 of 4 stars). 4 submissions from 4 submitters: Likely benign (4). Last evaluated 2025-05-25.

Conditions:
Cardiomyopathy (CMYO). Also called: Cardiomyopathies. Identifiers: Orphanet 167848, MedGen C0878544, MONDO:0004994, HP:0001638. Inheritance: Various modes of inheritance.
Hypertrophic cardiomyopathy. Also called: HYPERTROPHIC MYOCARDIOPATHY. Identifiers: Orphanet 217569, MedGen C0007194, MeSH D002312, MONDO:0005045, HP:0001639.

Allele frequency attached by ClinVar (database versions not stated): gnomAD exomes below 0.00001.

Submissions (4):

Labcorp Genetics (formerly Invitae), Labcorp
Classification: Likely benign for Hypertrophic cardiomyopathy. Last evaluated: 2025-05-25. Review status: criteria provided, single submitter. Criteria: Invitae Variant Classification Sherloc (09022015). Collection method: clinical testing. Allele origin: germline.

Blueprint Genetics
Classification: Likely benign. Last evaluated: 2023-08-18. Review status: criteria provided, single submitter. Criteria: ACMG Guidelines, 2015. Collection method: clinical testing. Allele origin: germline.

All of Us Research Program, National Institutes of Health
Classification: Likely benign for Hypertrophic cardiomyopathy. Last evaluated: 2023-08-08. Review status: criteria provided, single submitter. Criteria: ACMG Guidelines, 2015. Collection method: clinical testing. Allele origin: germline. Inheritance: Autosomal dominant inheritance. Observed: 1 variant allele, 1 heterozygote.
Comment: This study involves interpretation of variants in research participants for the purpose of population health screening. Participant phenotype was not available at the time of variant classification. Additional details can be found in publication PMID: 35346344, PMCID: PMC8962531

Color Diagnostics, LLC DBA Color Health
Classification: Likely benign for Cardiomyopathy. Last evaluated: 2018-12-21. Review status: criteria provided, single submitter. Criteria: ACMG Guidelines, 2015. Collection method: clinical testing. Allele origin: germline.

NM_000363.5(TNNI3):c.373-8G>A

Gene: TNNI3 (troponin I3, cardiac type; minus strand). Cytogenetic location: 19q13.42.
Variant type: single nucleotide variant.
Coding change: c.373-8G>A on transcript NM_000363.5 (MANE Select); 8 bases into the intron before coding-DNA position 373, G replaced by A.
Molecular consequence: intron variant.
Genome position (GRCh38, 1-based): chr19:55,154,214, C>T on the plus strand (G>A on the coding strand, the complement: TNNI3 is on the minus strand). VCF-style: chr19-55154214-C-T. GRCh37 (hg19) VCF-style: chr19-55665582-C-T.
Other names: c.373-8G>A (LRG_432t1); c.373-10_373-8delinsGTA (NM_000363.4).
Identifiers: ClinVar variation 525103 (VCV000525103.12), dbSNP rs369244036, ClinGen allele CA310148435.